The following is an entry in ClinVar:

NM_004304.5(ALK):c.236A>T (p.Glu79Val)

Gene: ALK (ALK receptor tyrosine kinase; minus strand). Cytogenetic location: 2p23.1.
Variant type: single nucleotide variant.
Coding change: c.236A>T on transcript NM_004304.5 (MANE Select); coding-DNA position 236, A replaced by T.
Protein change: p.Glu79Val; replaces glutamic acid 79 with valine.
Molecular consequence: missense variant.
Genome position (GRCh38, 1-based): chr2:29,920,424, T>A on the plus strand (A>T on the coding strand, the complement: ALK is on the minus strand). VCF-style: chr2-29920424-T-A. GRCh37 (hg19) VCF-style: chr2-30143290-T-A.
Other names: short protein forms E79V.
Identifiers: ClinVar variation 4542553 (VCV004542553.1).

ClinVar aggregate classification (germline): Uncertain significance (1 of 4 stars; one submission).

Conditions:
Hereditary cancer-predisposing syndrome. Also called: Tumor predisposition; Hereditary Cancer Syndrome; Hereditary neoplastic syndrome; Neoplastic Syndromes, Hereditary. Identifiers: Orphanet 140162, MedGen C0027672, MeSH D009386, MONDO:0015356.

Submission:

Ambry Genetics
Classification: Uncertain significance for Hereditary cancer-predisposing syndrome. Last evaluated: 2025-11-24. Review status: criteria provided, single submitter. Criteria: Ambry Variant Classification Scheme 2023. Collection method: clinical testing. Allele origin: germline.
Comment: The p.E79V variant (also known as c.236A>T), located in coding exon 1 of the ALK gene, results from an A to T substitution at nucleotide position 236. The glutamic acid at codon 79 is replaced by valine, an amino acid with dissimilar properties. This amino acid position is conserved. In addition, this alteration is predicted to be tolerated by in silico analysis. Based on the available evidence, the clinical significance of this variant remains unclear.